The following is an entry in ClinVar:

ClinVar aggregate classification (germline): Uncertain significance. Review status: criteria provided, multiple submitters, no conflicts (2 of 4 stars). 3 submissions from 3 submitters: Uncertain significance (3). Last evaluated 2025-05-29.

Conditions:
Ghosal hematodiaphyseal dysplasia. Also called: Ghosal hematodiaphyseal syndrome. Identifiers: Orphanet 1802, MedGen C1856465, MONDO:0009274, OMIM 231095.
Inborn genetic diseases. Identifiers: MedGen C0950123, MeSH D030342.

Allele frequency attached by ClinVar (database versions not stated): gnomAD exomes 0.00002 and 0.00008; ExAC 0.00003; TOPMed 0.00003; gnomAD 0.00004; ESP Exome Variant Server 0.00015.
gnomAD v4.1: 114 of 1,613,976 alleles (0.0071%); highest among the groups gnomAD compares: Non-Finnish European, 0.0096%; no homozygotes.

Submissions (3):

Ambry Genetics
Classification: Uncertain significance for Inborn genetic diseases. Last evaluated: 2025-05-29. Review status: criteria provided, single submitter. Criteria: Ambry Variant Classification Scheme 2023. Collection method: clinical testing. Allele origin: germline.

Knight Diagnostic Laboratories, Oregon Health and Sciences University
Classification: Uncertain significance for Ghosal hematodiaphyseal dysplasia. Last evaluated: 2019-11-27. Review status: criteria provided, single submitter. Criteria: ACMG Guidelines, 2015. Collection method: clinical testing. Allele origin: germline. Observed: 1 variant allele.

GeneDx
Classification: Uncertain significance. Last evaluated: 2017-06-07. Review status: criteria provided, single submitter. Criteria: GeneDx Variant Classification (06012015). Collection method: clinical testing. Allele origin: germline. Affected: yes.
Comment: The A265S variant in the TBXAS1 gene has not been reported previously as a pathogenic variant, nor as a benign variant, to our knowledge. The A265S variant is observed in 1/10,402 (0.01%) alleles from individuals of African background and 3/66,730 (0.004%) alleles from individuals of European (non-Finnish) background in the ExAC dataset (Lek et al., 2016). The A265S variant is a non-conservative amino acid substitution, which is likely to impact secondary protein structure as these residues differ in polarity, charge, size and/or other properties. However, this substitution occurs at a position that is not conserved, and in silico analysis is inconsistent in its predictions as to whether or not the variant is damaging to the protein structure/function. We interpret A265S as a variant of uncertain significance.

NM_001061.7(TBXAS1):c.790G>T (p.Ala264Ser)

Gene: TBXAS1 (thromboxane A synthase 1; plus strand). Cytogenetic location: 7q34.
Variant type: single nucleotide variant.
Coding change: c.790G>T on transcript NM_001061.7 (MANE Select); coding-DNA position 790, G replaced by T.
Protein change: p.Ala264Ser; replaces alanine 264 with serine.
Molecular consequence: missense variant.
Genome position (GRCh38, 1-based): chr7:139,957,735, G>T. VCF-style: chr7-139957735-G-T. GRCh37 (hg19) VCF-style: chr7-139657534-G-T.
Other names: c.790G>T, p.Ala264Ser (NM_001130966.5, NM_030984.6); c.928G>T, p.Ala310Ser (NM_001166253.4); c.589G>T, p.Ala197Ser (NM_001166254.4); c.733G>T, p.Ala245Ser (NM_001314028.4); c.607G>T, p.Ala203Ser (NM_001366537.3); short protein forms A197S, A264S, A310S, A203S, A245S.
Identifiers: ClinVar variation 432476 (VCV000432476.5), dbSNP rs376564758, ClinGen allele CA4511802.